The following is an entry in ClinVar:

ClinVar aggregate classification (germline): Uncertain significance. Review status: criteria provided, multiple submitters, no conflicts (2 of 4 stars). 5 submissions from 5 submitters: Uncertain significance (5). Last evaluated 2025-11-11.

Conditions:
Hereditary cancer-predisposing syndrome. Also called: Tumor predisposition; Neoplastic Syndromes, Hereditary; Hereditary Cancer Syndrome; Hereditary neoplastic syndrome. Identifiers: Orphanet 140162, MedGen C0027672, MeSH D009386, MONDO:0015356.
Neuroblastoma, susceptibility to, 3. Also called: ALK-Related Neuroblastic Tumor Susceptibility. Identifiers: Orphanet 635, MedGen C2751681, MONDO:0013083, OMIM 613014.

Allele frequency attached by ClinVar (database versions not stated): gnomAD 0.00001; gnomAD exomes 0.00001; TOPMed 0.00001.
gnomAD v4.1: 7 of 1,613,974 alleles (0.00043%); highest among the groups gnomAD compares: Admixed American, 0.0083%; no homozygotes.

Submissions (5):

Ambry Genetics
Classification: Uncertain significance for Hereditary cancer-predisposing syndrome. Last evaluated: 2025-11-11. Review status: criteria provided, single submitter. Criteria: Ambry Variant Classification Scheme 2023. Collection method: clinical testing. Allele origin: germline.
Comment: The p.P1191H variant (also known as c.3572C>A), located in coding exon 23 of the ALK gene, results from a C to A substitution at nucleotide position 3572. The proline at codon 1191 is replaced by histidine, an amino acid with similar properties. This variant has been reported in 1/1120 pediatric cancer patients who underwent whole genome sequencing and/or whole exome sequencing; this patient was diagnosed with neuroblastoma (Zhang J et al. N. Engl. J. Med. 2015 Dec;373:2336-2346). This amino acid position is highly conserved in available vertebrate species. In addition, this alteration is predicted to be deleterious by in silico analysis. Since supporting evidence is limited at this time, the clinical significance of this alteration remains unclear.

Labcorp Genetics (formerly Invitae), Labcorp
Classification: Uncertain significance for Neuroblastoma, susceptibility to, 3. Last evaluated: 2025-08-29. Review status: criteria provided, single submitter. Criteria: Invitae Variant Classification Sherloc (09022015). Collection method: clinical testing. Allele origin: germline.
Comment: This sequence change replaces proline, which is neutral and non-polar, with histidine, which is basic and polar, at codon 1191 of the ALK protein (p.Pro1191His). This variant is present in population databases (no rsID available, gnomAD 0.003%). This variant has not been reported in the literature in individuals affected with ALK-related conditions. ClinVar contains an entry for this variant (Variation ID: 404321). An algorithm developed to predict the effect of missense changes on protein structure and function (PolyPhen-2) suggests that this variant is likely to be disruptive. In summary, the available evidence is currently insufficient to determine the role of this variant in disease. Therefore, it has been classified as a Variant of Uncertain Significance.

Baylor Genetics
Classification: Uncertain significance for Neuroblastoma, susceptibility to, 3. Last evaluated: 2024-02-11. Review status: criteria provided, single submitter. Criteria: ACMG Guidelines, 2015. Collection method: clinical testing. Allele origin: unknown.

Fulgent Genetics
Classification: Uncertain significance for Neuroblastoma, susceptibility to, 3. Last evaluated: 2024-01-02. Review status: criteria provided, single submitter. Criteria: ACMG Guidelines, 2015. Collection method: clinical testing. Allele origin: germline.

GeneDx
Classification: Uncertain significance. Last evaluated: 2023-07-12. Review status: criteria provided, single submitter. Criteria: GeneDx Variant Classification Process June 2021. Collection method: clinical testing. Allele origin: germline. Affected: yes.
Comment: Not observed at significant frequency in large population cohorts (gnomAD); In silico analysis supports that this missense variant has a deleterious effect on protein structure/function; Has not been previously published as pathogenic or benign to our knowledge

Literature cited by the submitters: PubMed 26580448 (cited by Ambry Genetics).

NM_004304.5(ALK):c.3572C>A (p.Pro1191His)

Gene: ALK (ALK receptor tyrosine kinase; minus strand). Cytogenetic location: 2p23.2.
Variant type: single nucleotide variant.
Coding change: c.3572C>A on transcript NM_004304.5 (MANE Select); coding-DNA position 3572, C replaced by A.
Protein change: p.Pro1191His; replaces proline 1191 with histidine.
Molecular consequence: missense variant.
Genome position (GRCh38, 1-based): chr2:29,220,779, G>T on the plus strand (C>A on the coding strand, the complement: ALK is on the minus strand). VCF-style: chr2-29220779-G-T. GRCh37 (hg19) VCF-style: chr2-29443645-G-T.
Other names: c.368C>A, p.Pro123His (NM_001353765.2); short protein forms P1191H, P123H.
Identifiers: ClinVar variation 404321 (VCV000404321.17), dbSNP rs1060500210, ClinGen allele CA16610701.
Genomic context (GRCh38, chr2:29,220,779, plus strand): 5'-GTCTCTCGGAGGAAGGACTTGAGGTCTCCCCCCGCCATGAGCTCCAGCAGGATGAACCGG[G>T]GCAGGGATTGCAGGCTCACCCCAATGCAGCGAACAATGTTCTGGTGGTTGAATTTGCTGC-3'
Protein context (NP_004295.2, residues 1181-1201): RCIGVSLQSL[Pro1191His]RFILLELMAG